The following is an entry in ClinVar:

NM_001048174.2(MUTYH):c.1239+26_1240-31del

Gene: MUTYH (mutY DNA glycosylase; minus strand). Cytogenetic location: 1p34.1.
Variant type: Deletion.
Coding change: c.1239+26_1240-31del on transcript NM_001048174.2 (MANE Select); 26 bases into the intron after coding-DNA position 1239 through 31 bases into the intron before coding-DNA position 1240, 30 bases deleted (GATGTTGGCTTTTGAGGCTATATCCACAGG).
Molecular consequence: intron variant.
Genome position (GRCh38, 1-based): chr1:45,331,365-45,331,394, CCTGTGGATATAGCCTCAAAAGCCAACATC deleted on the plus strand (GATGTTGGCTTTTGAGGCTATATCCACAGG on the coding strand, the reverse complement: MUTYH is on the minus strand); deleting any 30 consecutive bases within chr1:45,331,365-45,331,395 gives the same sequence; the c. name uses the placement nearest the transcript's 3' end. VCF-style (leftmost placement, unchanged base first): chr1-45331364-GCCTGTGGATATAGCCTCAAAAGCCAACATC-G. GRCh37 (hg19) VCF-style: chr1-45797036-GCCTGTGGATATAGCCTCAAAAGCCAACATC-G.
Other names: c.1239+26_1240-31del (NM_001407072.1, NM_001407073.1, NM_001048171.2 and 6 more transcripts); c.894+26_895-31del (NM_001350651.2, NM_001350650.2, NM_001407082.1); c.963+26_964-31del (NM_001293192.2, NM_001293196.2, NM_001407091.1); c.1284+26_1285-31del (NM_001293190.2); c.1272+26_1273-31del (NM_001407069.1, NM_001407077.1, NM_001293191.2); c.1314+26_1315-31del (NM_012222.3); c.1323+26_1324-31del (NM_001128425.2); c.1242+26_1243-31del (NM_001407071.1, NM_001048172.2, NM_001407078.1 and 1 more transcripts); and 5 more.
Identifiers: ClinVar variation 3690375 (VCV003690375.2).

ClinVar aggregate classification (germline): Likely pathogenic (1 of 4 stars; one submission).

Conditions:
Familial adenomatous polyposis 2. Also called: COLORECTAL ADENOMATOUS POLYPOSIS, AUTOSOMAL RECESSIVE; ADENOMAS, MULTIPLE COLORECTAL, AUTOSOMAL RECESSIVE; MYH-associated polyposis; Adenomas, multiple colorectal; FAP type 2; MUTYH-associated polyposis. Identifiers: Orphanet 220460, Orphanet 247798, MedGen C3272841, MONDO:0012041, OMIM 608456.

Submission:

Labcorp Genetics (formerly Invitae), Labcorp
Classification: Likely pathogenic for Familial adenomatous polyposis 2. Last evaluated: 2024-07-03. Review status: criteria provided, single submitter. Criteria: Invitae Variant Classification Sherloc (09022015). Collection method: clinical testing. Allele origin: germline.
Comment: This sequence change falls in intron 13 of the MUTYH gene. It does not directly change the encoded amino acid sequence of the MUTYH protein. RNA analysis indicates that this variant induces altered splicing and likely results in a shortened protein product. This variant is not present in population databases (gnomAD no frequency). This variant has been observed in individual(s) with clinical features of MUTYH polyposis (Invitae). In at least one individual the data is consistent with being in trans (on the opposite chromosome) from a pathogenic variant. Studies have shown that this variant results in skipping of exon 14, but is expected to preserve the integrity of the reading-frame (Invitae). In summary, the currently available evidence indicates that the variant is pathogenic, but additional data are needed to prove that conclusively. Therefore, this variant has been classified as Likely Pathogenic.